The following is an entry in ClinVar:

NM_001378183.1(PIEZO2):c.560G>A (p.Gly187Asp)

Gene: PIEZO2 (piezo type mechanosensitive ion channel component 2; minus strand). Cytogenetic location: 18p11.22.
Variant type: single nucleotide variant.
Coding change: c.560G>A on transcript NM_001378183.1 (MANE Select); coding-DNA position 560, G replaced by A.
Protein change: p.Gly187Asp; replaces glycine 187 with aspartic acid.
Molecular consequence: missense variant.
Genome position (GRCh38, 1-based): chr18:10,857,144, C>T on the plus strand (G>A on the coding strand, the complement: PIEZO2 is on the minus strand). VCF-style: chr18-10857144-C-T. GRCh37 (hg19) VCF-style: chr18-10857142-C-T.
Other names: c.560G>A, p.Gly187Asp (NM_001410871.1, NM_022068.4); short protein forms G187D.
Identifiers: ClinVar variation 2262111 (VCV002262111.3), dbSNP rs2041729594, ClinGen allele CA402029570.
Genomic context (GRCh38, chr18:10,857,144, plus strand): 5'-ACAGAGGCAAGCCTGCGGAACATTTTTAACTTCGTGCTTTCTTCCAACTCGCCTTCAACA[C>T]CATCTCCTCCATTGAAATCCTCTTCATAGATCAGTGCCTCTTCTGAATCAATTTTTTCTC-3'
Protein context (NP_001365112.1, residues 177-197): IYEEDFNGGD[Gly187Asp]VEGELEESTK

ClinVar aggregate classification (germline): Uncertain significance. Review status: criteria provided, multiple submitters, no conflicts (2 of 4 stars). 2 submissions from 2 submitters: Uncertain significance (2). Last evaluated 2025-01-27.

Conditions:
Inborn genetic diseases. Identifiers: MedGen C0950123, MeSH D030342.

Allele frequency attached by ClinVar (database versions not stated): TOPMed below 0.00001.
gnomAD v4.1: 1 of 1,537,898 alleles (0.000065%); highest among the groups gnomAD compares: South Asian, 0.0012%; no homozygotes.

Submissions (2):

GeneDx
Classification: Uncertain significance. Last evaluated: 2025-01-27. Review status: criteria provided, single submitter. Criteria: GeneDx Variant Classification Process June 2021. Collection method: clinical testing. Allele origin: germline. Affected: yes.
Comment: Not observed at significant frequency in large population cohorts (gnomAD); In silico analysis indicates that this missense variant does not alter protein structure/function; Has not been previously published as pathogenic or benign to our knowledge

Ambry Genetics
Classification: Uncertain significance for Inborn genetic diseases. Last evaluated: 2021-11-22. Review status: criteria provided, single submitter. Criteria: Ambry Variant Classification Scheme 2023. Collection method: clinical testing. Allele origin: germline.